The following is an entry in ClinVar:

ClinVar aggregate classification (germline): Benign/Likely benign. Review status: criteria provided, multiple submitters, no conflicts (2 of 4 stars). 2 submissions from 2 submitters: Benign (1); Likely benign (1). Last evaluated 2024-07-18.

Conditions:
Short stature due to primary acid-labile subunit deficiency. Also called: Acid-labile subunit deficiency; Acid-labile subunit, deficiency of. Identifiers: Orphanet 140941, MedGen C3900122, MONDO:0014420, OMIM 615961.

Allele frequency attached by ClinVar (database versions not stated): gnomAD exomes 0.00016 and 0.00051; gnomAD 0.00019 and 0.00025; TOPMed 0.00026; 1000 Genomes Project 30x 0.00062; ExAC 0.00076; 1000 Genomes Project 0.00080.
gnomAD v4.1: 261 of 1,549,208 alleles (0.017%); highest among the groups gnomAD compares: East Asian, 0.47%; no homozygotes.

Submissions (2):

Women's Health and Genetics/Laboratory Corporation of America, LabCorp
Classification: Likely benign. Last evaluated: 2024-07-18. Review status: criteria provided, single submitter. Criteria: LabCorp Variant Classification Summary - May 2015. Collection method: clinical testing. Allele origin: germline.
Comment: Variant summary: IGFALS c.593A>T (p.Glu198Val) results in a non-conservative amino acid change in the encoded protein sequence. Four of five in-silico tools predict a damaging effect of the variant on protein function. The variant allele was found at a frequency of 0.00051 in 146370 control chromosomes, predominantly at a frequency of 0.0058 within the East Asian subpopulation in the gnomAD database, including 1 homozygotes. The observed variant frequency within East Asian control individuals in the gnomAD database exceeds the estimated maximal expected allele frequency for a pathogenic variant in IGFALS causing Short Stature Due To Primary Acid-Labile Subunit Deficiency phenotype. To our knowledge, no occurrence of c.593A>T in individuals affected with Short Stature Due To Primary Acid-Labile Subunit Deficiency and no experimental evidence demonstrating its impact on protein function have been reported. ClinVar contains an entry for this variant (Variation ID: 318258). Based on the evidence outlined above, the variant was classified as likely benign.

Illumina Laboratory Services, Illumina
Classification: Benign for Short stature due to primary acid-labile subunit deficiency. Last evaluated: 2018-01-13. Review status: criteria provided, single submitter. Criteria: ICSL Variant Classification Criteria 13 December 2019. Collection method: clinical testing. Allele origin: germline.
Comment: This variant was observed in the ICSL laboratory as part of a predisposition screen in an ostensibly healthy population. It had not been previously curated by ICSL or reported in the Human Gene Mutation Database (HGMD: prior to June 1st, 2018), and was therefore a candidate for classification through an automated scoring system. Utilizing variant allele frequency, disease prevalence and penetrance estimates, and inheritance mode, an automated score was calculated to assess if this variant is too frequent to cause the disease. Based on the score and internal cut-off values, a variant classified as benign is not then subjected to further curation. The score for this variant resulted in a classification of benign for this disease.

NM_004970.3(IGFALS):c.593A>T (p.Glu198Val)

Gene: IGFALS (insulin like growth factor binding protein acid labile subunit; minus strand). Cytogenetic location: 16p13.3.
Variant type: single nucleotide variant.
Coding change: c.593A>T on transcript NM_004970.3 (MANE Select); coding-DNA position 593, A replaced by T.
Protein change: p.Glu198Val; replaces glutamic acid 198 with valine.
Molecular consequence: missense variant. On other transcripts: non-coding transcript variant (1).
Genome position (GRCh38, 1-based): chr16:1,791,825, T>A on the plus strand (A>T on the coding strand, the complement: IGFALS is on the minus strand). VCF-style: chr16-1791825-T-A. GRCh37 (hg19) VCF-style: chr16-1841826-T-A.
Other names: c.707A>T, p.Glu236Val (NM_001146006.2); short protein forms E198V, E236V.
Identifiers: ClinVar variation 318258 (VCV000318258.6), dbSNP rs184411457, ClinGen allele CA7820535.